The following is an entry in ClinVar:

ClinVar aggregate classification (germline): Uncertain significance. Review status: criteria provided, multiple submitters, no conflicts (2 of 4 stars). 2 submissions from 2 submitters: Uncertain significance (2). Last evaluated 2026-05-22.

Conditions:
SEMA3C-related disorder. Also called: SEMA3C-related condition.

Allele frequency attached by ClinVar (database versions not stated): gnomAD exomes 0.00004; ExAC 0.00007; ESP Exome Variant Server 0.00015; gnomAD 0.00036; TOPMed 0.00043.
gnomAD v4.1: 121 of 1,614,084 alleles (0.0075%); highest among the groups gnomAD compares: African/African-American, 0.13%; no homozygotes.

Submissions (2):

PreventionGenetics, part of Exact Sciences
Classification: Uncertain significance for SEMA3C-related condition. Last evaluated: 2026-05-22. Review status: criteria provided, single submitter. Criteria: ACMG Guidelines, 2015. Collection method: clinical testing. Allele origin: germline.
Comment: The SEMA3C c.2290A>G variant is predicted to result in the amino acid substitution p.Asn764Asp. To our knowledge, this variant has not been reported in the literature. This variant is reported in 0.12% of alleles in individuals of African descent in gnomAD, which is likely too common for an undocumented disease-causing variant. Although we suspect that this variant may be benign, at this time, the clinical significance of this variant is uncertain due to the absence of conclusive functional and genetic evidence.

Ambry Genetics
Classification: Uncertain significance. Last evaluated: 2024-05-29. Review status: criteria provided, single submitter. Criteria: Ambry Variant Classification Scheme 2023. Collection method: clinical testing. Allele origin: germline.

NM_006379.5(SEMA3C):c.2236A>G (p.Asn746Asp)

Gene: SEMA3C (semaphorin 3C; minus strand). Cytogenetic location: 7q21.11.
Variant type: single nucleotide variant.
Coding change: c.2236A>G on transcript NM_006379.5 (MANE Select); coding-DNA position 2236, A replaced by G.
Protein change: p.Asn746Asp; replaces asparagine 746 with aspartic acid.
Molecular consequence: missense variant.
Genome position (GRCh38, 1-based): chr7:80,744,914, T>C on the plus strand (A>G on the coding strand, the complement: SEMA3C is on the minus strand). VCF-style: chr7-80744914-T-C. GRCh37 (hg19) VCF-style: chr7-80374230-T-C.
Other names: c.2290A>G, p.Asn764Asp (NM_001350120.2); c.2062A>G, p.Asn688Asp (NM_001350121.2); c.2290A>G (NM_001350120.1); short protein forms N688D, N746D, N764D.
Identifiers: ClinVar variation 2207722 (VCV002207722.7), dbSNP rs146378575, ClinGen allele CA4315891.